The following is an entry in ClinVar:

NM_001379451.1(BCORL1):c.309_311del (p.Asn104del)

Gene: BCORL1 (BCL6 corepressor like 1; plus strand). Cytogenetic location: Xq26.1.
Variant type: Deletion.
Coding change: c.309_311del on transcript NM_001379451.1 (MANE Select); coding-DNA positions 309 to 311, 3 bases deleted (GAA; older notation c.309_311delGAA).
Protein change: p.Asn104del; deletes asparagine 104.
Molecular consequence: inframe deletion. On other transcripts: inframe indel (1).
Genome position (GRCh38, 1-based): chrX:130,013,081-130,013,083, GAA deleted. VCF-style (leftmost placement, unchanged base first): chrX-130013080-GGAA-G. GRCh37 (hg19) VCF-style: chrX-129147056-GGAA-G.
Other names: c.309_311del, p.Asn104del (NM_001184772.3, NM_001379450.1, NM_021946.5); c.309_311delGAA, p.Asn104del (NM_021946.4); short protein forms N104del.
Identifiers: ClinVar variation 2442536 (VCV002442536.1), dbSNP rs2522644052, ClinGen allele CA2580101471.

ClinVar aggregate classification (germline): Uncertain significance (1 of 4 stars; one submission).

Submission:

GeneDx
Classification: Uncertain significance. Last evaluated: 2022-08-06. Review status: criteria provided, single submitter. Criteria: GeneDx Variant Classification Process June 2021. Collection method: clinical testing. Allele origin: germline. Affected: yes.
Comment: Not observed at significant frequency in large population cohorts (gnomAD); In-frame deletion of one amino acid in a non-repeat region; Has not been previously published as pathogenic or benign to our knowledge